The following is an entry in ClinVar:

NC_000017.11:g.(?_61857052)_(61861545_?)del

Gene: BRIP1 (BRCA1 interacting DNA helicase 1; minus strand). Cytogenetic location: 17q23.2.
Variant type: Deletion.
Identifiers: ClinVar variation 583630 (VCV000583630.2).

ClinVar aggregate classification (germline): Pathogenic (1 of 4 stars; one submission).

Conditions:
Familial cancer of breast. Also called: hereditary breast carcinoma; BREAST CANCER, FAMILIAL; Hereditary breast cancer. Identifiers: Orphanet 227535, MedGen C0346153, MONDO:0016419, OMIM 114480. Disease mechanism: loss of function.
Fanconi anemia complementation group J. Also called: BRIP1-Related Fanconi Anemia. Identifiers: Orphanet 84, MedGen C1836860, MONDO:0012187, OMIM 609054.

Submission:

Labcorp Genetics (formerly Invitae), Labcorp
Classification: Pathogenic for Familial cancer of breast; Fanconi anemia, complementation group J. Last evaluated: 2018-03-06. Review status: criteria provided, single submitter. Criteria: Invitae Variant Classification Sherloc (09022015). Collection method: clinical testing. Allele origin: germline.
Comment: This variant is a gross deletion of the genomic region encompassing exons 2-4 of the BRIP1 gene, which includes the initiator codon. The 5' end of this event is unknown as it extends beyond the assayed region for this gene and therefore may encompass additional genes. The 3' boundary is likely confined to intron 4 of the BRIP1 gene. This is expected to result in an absent or disrupted protein product. Deletions of BRIP11 exons 2-4 have not been reported in the literature in individuals with BRIP1-related disease. Loss-of-function variants in BRIP1 are known to be pathogenic (PMID: 16116423, 17033622, 21964575). For these reasons, this variant has been classified as Pathogenic.